The following is an entry in ClinVar:

ClinVar aggregate classification (germline): Uncertain significance. Review status: criteria provided, multiple submitters, no conflicts (2 of 4 stars). 3 submissions from 3 submitters: Uncertain significance (2). 1 of the submissions does not count toward it. Last evaluated 2026-08-06.

Conditions:
Congenital myasthenic syndrome (CMS). Also called: Congenital Myasthenic Syndromes. Identifiers: Orphanet 590, MedGen C0751882, MeSH D020294, MONDO:0018940.
Congenital myasthenic syndrome 4A. Also called: Myasthenic syndrome, congenital, 4a, slow-channel; CONGENITAL MYASTHENIC SYNDROME TYPE Ia1; MYASTHENIC SYNDROME, CONGENITAL, 4A, SLOW-CHANNEL, AUTOSOMAL RECESSIVE. Identifiers: Orphanet 590, MedGen C4225413, MONDO:0011600, OMIM 605809.

Allele frequency attached by ClinVar (database versions not stated): gnomAD exomes 0.00001; ExAC 0.00001; gnomAD 0.00001; TOPMed 0.00001.
gnomAD v4.1: 10 of 1,613,852 alleles (0.00062%); highest among the groups gnomAD compares: South Asian, 0.0011%; no homozygotes.

Submissions (3):

OLLIN Analises Genomicas, OLLIN
Classification: Uncertain significance for Congenital myasthenic syndrome 4A. Last evaluated: 2026-08-06. Review status: criteria provided, single submitter. Criteria: ACMG Guidelines 2015 PMID 25741868. Collection method: clinical testing. Allele origin: germline. Inheritance: Autosomal dominant inheritance.
Comment: This missense variant, located in exon 7 (of 12), has been reported in ClinVar (accession VCV001061930.9) and in gnomAD with an allele frequency of 0.00062%. However, to our knowledge, it has not been reported in the scientific literature. In silico analysis is inconclusive regarding the impact of this variant. According to the currently available evidence, this variant has been classified as uncertain significance (PM2_P).

Labcorp Genetics (formerly Invitae), Labcorp
Classification: Uncertain significance for Congenital myasthenic syndrome 4A. Last evaluated: 2024-03-24. Review status: criteria provided, single submitter. Criteria: Invitae Variant Classification Sherloc (09022015). Collection method: clinical testing. Allele origin: germline.
Comment: This sequence change replaces valine, which is neutral and non-polar, with methionine, which is neutral and non-polar, at codon 249 of the CHRNE protein (p.Val249Met). This variant is present in population databases (rs757421529, gnomAD 0.004%). This variant has not been reported in the literature in individuals affected with CHRNE-related conditions. ClinVar contains an entry for this variant (Variation ID: 1061930). Advanced modeling of protein sequence and biophysical properties (such as structural, functional, and spatial information, amino acid conservation, physicochemical variation, residue mobility, and thermodynamic stability) performed at Invitae indicates that this missense variant is not expected to disrupt CHRNE protein function with a negative predictive value of 80%. In summary, the available evidence is currently insufficient to determine the role of this variant in disease. Therefore, it has been classified as a Variant of Uncertain Significance.

Natera, Inc.
Classification: Uncertain significance for Congenital myasthenic syndrome. Last evaluated: 2020-01-24. Review status: no assertion criteria provided. Collection method: clinical testing. Allele origin: germline. Not counted in ClinVar's aggregate classification.

NM_000080.4(CHRNE):c.745G>A (p.Val249Met)

Genes: C17orf107 (chromosome 17 open reading frame 107; plus strand), CHRNE (cholinergic receptor nicotinic epsilon subunit; minus strand). Cytogenetic location: 17p13.2.
Variant type: single nucleotide variant.
Coding change: c.745G>A on transcript NM_000080.4 (MANE Select); coding-DNA position 745, G replaced by A.
Protein change: p.Val249Met; replaces valine 249 with methionine.
Molecular consequence: missense variant. On other transcripts: 3 prime UTR variant (1).
Genome position (GRCh38, 1-based): chr17:4,901,047, C>T on the plus strand (G>A on the coding strand, the complement: CHRNE is on the minus strand). VCF-style: chr17-4901047-C-T. GRCh37 (hg19) VCF-style: chr17-4804342-C-T.
Other names: c.*514C>T (NM_001145536.2); short protein forms V249M.
Identifiers: ClinVar variation 1061930 (VCV001061930.10), dbSNP rs757421529, ClinGen allele CA8314277.
Genomic context (GRCh38, chr17:4,901,047, plus strand): 5'-TACCCTGCGCCGGCAGGAAGTAGGCGAGCAGCACCAGGCCCGAGATGAGCACACAGGGCA[C>T]GATGATGTTAATGACGTAGAAGAGCGGCTTCCGGCGGATGATGAGCGAGTAGATGACGTC-3'
Protein context (NP_000071.1, residues 239-259): KPLFYVINII[Val249Met]PCVLISGLVL